The following is an entry in ClinVar:

NM_001146079.2(CLDN14):c.512C>T (p.Ser171Leu)

Genes: CLDN14 (claudin 14; minus strand), CLDN14-AS1 (CLDN14 antisense RNA 1; plus strand). Cytogenetic location: 21q22.13.
Variant type: single nucleotide variant.
Coding change: c.512C>T on transcript NM_001146079.2 (MANE Select); coding-DNA position 512, C replaced by T.
Protein change: p.Ser171Leu; replaces serine 171 with leucine.
Molecular consequence: missense variant.
Genome position (GRCh38, 1-based): chr21:36,461,184, G>A on the plus strand (C>T on the coding strand, the complement: CLDN14 is on the minus strand). VCF-style: chr21-36461184-G-A. GRCh37 (hg19) VCF-style: chr21-37833482-G-A.
Other names: c.512C>T, p.Ser171Leu (NM_001146077.2, NM_001146078.3, NM_012130.4 and 1 more transcripts); short protein forms S171L.
Identifiers: ClinVar variation 1928989 (VCV001928989.4), dbSNP rs75617474, ClinGen allele CA10019246.
Genomic context (GRCh38, chr21:36,461,184, plus strand): 5'-TAGGGTGCCTCGTCCTGGCAGGACAGGCAAAGCAGGGTGCCACCAATGAGCGAGAGGGAC[G>A]AGGAGATGAAGCCCAGGTACAGGGCCTGGCCAATCTCAAACTTCATGCCGCTGGGCAGCA-3'
Protein context (NP_001139551.1, residues 161-181): GQALYLGFIS[Ser171Leu]SLSLIGGTLL

ClinVar aggregate classification (germline): Uncertain significance (1 of 4 stars; one submission).

Allele frequency attached by ClinVar (database versions not stated): ExAC 0.00001; gnomAD 0.00001; TOPMed 0.00001; gnomAD exomes 0.00002; 1000 Genomes Project 30x 0.00016; 1000 Genomes Project 0.00020.
gnomAD v4.1: 29 of 1,613,930 alleles (0.0018%); highest among the groups gnomAD compares: East Asian, 0.0022%; no homozygotes.

Submission:

Labcorp Genetics (formerly Invitae), Labcorp
Classification: Uncertain significance. Last evaluated: 2021-12-25. Review status: criteria provided, single submitter. Criteria: Invitae Variant Classification Sherloc (09022015). Collection method: clinical testing. Allele origin: germline.
Comment: In summary, the available evidence is currently insufficient to determine the role of this variant in disease. Therefore, it has been classified as a Variant of Uncertain Significance. Algorithms developed to predict the effect of missense changes on protein structure and function are either unavailable or do not agree on the potential impact of this missense change (SIFT: "Deleterious"; PolyPhen-2: "Benign"; Align-GVGD: "Class C15"). This variant has not been reported in the literature in individuals affected with CLDN14-related conditions. This variant is present in population databases (rs75617474, gnomAD 0.002%). This sequence change replaces serine, which is neutral and polar, with leucine, which is neutral and non-polar, at codon 171 of the CLDN14 protein (p.Ser171Leu).